The following is an entry in ClinVar:

ClinVar aggregate classification (germline): Uncertain significance. Review status: criteria provided, multiple submitters, no conflicts (2 of 4 stars). 2 submissions from 2 submitters: Uncertain significance (2). Last evaluated 2022-11-22.

Conditions:
Developmental and epileptic encephalopathy, 45 (DEE45). Also called: Epileptic encephalopathy, early infantile, 45. Identifiers: MedGen C4310691, MONDO:0014942, OMIM 617153.

Allele frequency attached by ClinVar (database versions not stated): TOPMed below 0.00001; gnomAD 0.00001.

Submissions (2):

Labcorp Genetics (formerly Invitae), Labcorp
Classification: Uncertain significance. Last evaluated: 2022-11-22. Review status: criteria provided, single submitter. Criteria: Invitae Variant Classification Sherloc (09022015). Collection method: clinical testing. Allele origin: germline.
Comment: This sequence change replaces arginine, which is basic and polar, with histidine, which is basic and polar, at codon 405 of the GABRB1 protein (p.Arg405His). This variant is not present in population databases (gnomAD no frequency). In summary, the available evidence is currently insufficient to determine the role of this variant in disease. Therefore, it has been classified as a Variant of Uncertain Significance. Advanced modeling of protein sequence and biophysical properties (such as structural, functional, and spatial information, amino acid conservation, physicochemical variation, residue mobility, and thermodynamic stability) performed at Invitae indicates that this missense variant is expected to disrupt GABRB1 protein function. ClinVar contains an entry for this variant (Variation ID: 992731). This variant has not been reported in the literature in individuals affected with GABRB1-related conditions.

New York Genome Center
Classification: Uncertain significance for Developmental and epileptic encephalopathy, 45. Last evaluated: 2021-12-01. Review status: criteria provided, single submitter. Criteria: NYGC Assertion Criteria 2020. Collection method: clinical testing. Allele origin: inherited. Observed: 1 heterozygote. Study: CSER-NYCKidSeq.

NM_000812.4(GABRB1):c.1214G>A (p.Arg405His)

Gene: GABRB1 (gamma-aminobutyric acid type A receptor subunit beta1; plus strand). Cytogenetic location: 4p12.
Variant type: single nucleotide variant.
Coding change: c.1214G>A on transcript NM_000812.4 (MANE Select); coding-DNA position 1214, G replaced by A.
Protein change: p.Arg405His; replaces arginine 405 with histidine.
Molecular consequence: missense variant.
Genome position (GRCh38, 1-based): chr4:47,425,807, G>A. VCF-style: chr4-47425807-G-A. GRCh37 (hg19) VCF-style: chr4-47427824-G-A.
Other names: short protein forms R405H.
Identifiers: ClinVar variation 992731 (VCV000992731.7), dbSNP rs999920078, ClinGen allele CA96624714.